The following is an entry in ClinVar:

ClinVar aggregate classification (germline): Pathogenic (1 of 4 stars; one submission).

Conditions:
Mitochondrial trifunctional protein deficiency. Identifiers: Orphanet 746, MedGen C1969443, MONDO:0012172.

Submission:

Labcorp Genetics (formerly Invitae), Labcorp
Classification: Pathogenic for Mitochondrial trifunctional protein deficiency. Last evaluated: 2021-04-08. Review status: criteria provided, single submitter. Criteria: Invitae Variant Classification Sherloc (09022015). Collection method: clinical testing. Allele origin: germline.
Comment: This variant has not been reported in the literature in individuals with HADHB-related conditions. For these reasons, this variant has been classified as Pathogenic. This variant is not present in population databases (ExAC no frequency). This sequence change creates a premature translational stop signal (p.Glu216*) in the HADHB gene. It is expected to result in an absent or disrupted protein product. Loss-of-function variants in HADHB are known to be pathogenic (PMID: 9259266, 12754706).

Literature cited by the submitters: PubMed 9259266; PubMed 12754706.

NM_000183.3(HADHB):c.646G>T (p.Glu216Ter)

Gene: HADHB (hydroxyacyl-CoA dehydrogenase trifunctional multienzyme complex subunit beta; plus strand). Cytogenetic location: 2p23.3.
Variant type: single nucleotide variant.
Coding change: c.646G>T on transcript NM_000183.3 (MANE Select); coding-DNA position 646, G replaced by T.
Protein change: p.Glu216Ter; replaces glutamic acid 216 with a stop codon.
Molecular consequence: nonsense.
Genome position (GRCh38, 1-based): chr2:26,279,150, G>T. VCF-style: chr2-26279150-G-T. GRCh37 (hg19) VCF-style: chr2-26502018-G-T.
Other names: c.601G>T, p.Glu201Ter (NM_001281512.2); c.580G>T, p.Glu194Ter (NM_001281513.2); short protein forms E201*, E216*, E194*.
Identifiers: ClinVar variation 1410430 (VCV001410430.6), dbSNP rs2147825407, ClinGen allele CA346092859.